The following is an entry in ClinVar:

NM_021815.5(SLC5A7):c.662A>G (p.His221Arg)

Gene: SLC5A7 (solute carrier family 5 member 7; plus strand). Cytogenetic location: 2q12.3.
Variant type: single nucleotide variant.
Coding change: c.662A>G on transcript NM_021815.5 (MANE Select); coding-DNA position 662, A replaced by G.
Protein change: p.His221Arg; replaces histidine 221 with arginine.
Molecular consequence: missense variant. On other transcripts: 5 prime UTR variant (1).
Genome position (GRCh38, 1-based): chr2:108,001,961, A>G. VCF-style: chr2-108001961-A-G. GRCh37 (hg19) VCF-style: chr2-108618417-A-G.
Other names: c.662A>G, p.His221Arg (NM_001305005.3); c.347A>G, p.His116Arg (NM_001305006.3); c.-80A>G (NM_001305007.3); short protein forms H116R, H221R.
Identifiers: ClinVar variation 3753020 (VCV003753020.2).

ClinVar aggregate classification (germline): Uncertain significance (1 of 4 stars; one submission).

Conditions:
Congenital myasthenic syndrome 20. Also called: Myasthenic syndrome, congenital, 20, presynaptic. Identifiers: MedGen C4310694, MONDO:0014939, OMIM 617143.
Neuronopathy, distal hereditary motor, type 7A. Also called: Neuronopathy, distal hereditary motor, type viia; HARPER-YOUNG MYOPATHY; HMN VIIA; NEURONOPATHY, DISTAL HEREDITARY MOTOR, HARDING TYPE VIIA; NEUROPATHY, DISTAL HEREDITARY MOTOR, HARDING TYPE VIIA; Neuronopathy, distal hereditary motor, autosomal dominant 7. Identifiers: Orphanet 139589, MedGen C1834703, MONDO:0008024, OMIM 158580.

gnomAD v4.1: 1 of 1,614,066 alleles (0.000062%); highest among the groups gnomAD compares: African/African-American, 0.0013%; no homozygotes.

Submission:

Labcorp Genetics (formerly Invitae), Labcorp
Classification: Uncertain significance for Neuronopathy, distal hereditary motor, type 7A; Congenital myasthenic syndrome 20. Last evaluated: 2024-04-25. Review status: criteria provided, single submitter. Criteria: Invitae Variant Classification Sherloc (09022015). Collection method: clinical testing. Allele origin: germline.
Comment: This sequence change replaces histidine, which is basic and polar, with arginine, which is basic and polar, at codon 221 of the SLC5A7 protein (p.His221Arg). This variant is present in population databases (no rsID available, gnomAD 0.007%). This variant has not been reported in the literature in individuals affected with SLC5A7-related conditions. Advanced modeling of protein sequence and biophysical properties (such as structural, functional, and spatial information, amino acid conservation, physicochemical variation, residue mobility, and thermodynamic stability) performed at Invitae indicates that this missense variant is not expected to disrupt SLC5A7 protein function with a negative predictive value of 80%. In summary, the available evidence is currently insufficient to determine the role of this variant in disease. Therefore, it has been classified as a Variant of Uncertain Significance.